The following is an entry in ClinVar:

ClinVar aggregate classification (germline): Uncertain significance. Review status: criteria provided, multiple submitters, no conflicts (2 of 4 stars). 4 submissions from 4 submitters: Uncertain significance (4). Last evaluated 2025-06-05.

Conditions:
Wilson disease (WND). Also called: Wilson's disease. Identifiers: Orphanet 905, MedGen C0019202, MONDO:0010200, OMIM 277900. Disease mechanism: loss of function.

Allele frequency attached by ClinVar (database versions not stated): gnomAD 0.00001; TOPMed 0.00001; gnomAD exomes 0.00002.
gnomAD v4.1: 25 of 1,614,090 alleles (0.0015%); highest among the groups gnomAD compares: Non-Finnish European, 0.002%; no homozygotes.

Submissions (4):

Color Diagnostics, LLC DBA Color Health
Classification: Uncertain significance for Wilson disease. Last evaluated: 2025-06-05. Review status: criteria provided, single submitter. Criteria: ACMG Guidelines, 2015. Collection method: clinical testing. Allele origin: germline.
Comment: This missense variant replaces proline with serine at codon 1098 of the ATP7B protein. Computational prediction suggests that this variant may have deleterious impact on protein structure and function. To our knowledge, functional studies have not been reported for this variant. This variant has not been reported in individuals affected with ATP7B-related disorders in the literature. This variant has been identified in 1/249576 chromosomes in the general population by the Genome Aggregation Database (gnomAD). The available evidence is insufficient to determine the role of this variant in disease conclusively. Therefore, this variant is classified as a Variant of Uncertain Significance.

Fulgent Genetics
Classification: Uncertain significance for Wilson disease. Last evaluated: 2024-04-22. Review status: criteria provided, single submitter. Criteria: ACMG Guidelines, 2015. Collection method: clinical testing. Allele origin: germline.

All of Us Research Program, National Institutes of Health
Classification: Uncertain significance for Wilson disease. Last evaluated: 2023-07-19. Review status: criteria provided, single submitter. Criteria: ACMG Guidelines, 2015. Collection method: clinical testing. Allele origin: germline. Inheritance: Autosomal recessive inheritance. Observed: 1 variant allele, 1 heterozygote.
Comment: This missense variant replaces proline with serine at codon 1098 of the ATP7B protein. Computational prediction suggests that this variant may have deleterious impact on protein structure and function (internally defined REVEL score threshold >= 0.7, PMID: 27666373). To our knowledge, functional studies have not been reported for this variant. This variant has not been reported in individuals affected with ATP7B-related disorders in the literature. This variant has been identified in 1/249576 chromosomes in the general population by the Genome Aggregation Database (gnomAD). The available evidence is insufficient to determine the role of this variant in disease conclusively. Therefore, this variant is classified as a Variant of Uncertain Significance.

This study involves interpretation of variants in research participants for the purpose of population health screening. Participant phenotype was not available at the time of variant classification. Additional details can be found in publication PMID: 35346344, PMCID: PMC8962531

Labcorp Genetics (formerly Invitae), Labcorp
Classification: Uncertain significance for Wilson disease. Last evaluated: 2022-06-20. Review status: criteria provided, single submitter. Criteria: Invitae Variant Classification Sherloc (09022015). Collection method: clinical testing. Allele origin: germline.
Comment: This sequence change replaces proline, which is neutral and non-polar, with serine, which is neutral and polar, at codon 1098 of the ATP7B protein (p.Pro1098Ser). This variant is present in population databases (no rsID available, gnomAD 0.0009%). This variant has not been reported in the literature in individuals affected with ATP7B-related conditions. Advanced modeling of protein sequence and biophysical properties (such as structural, functional, and spatial information, amino acid conservation, physicochemical variation, residue mobility, and thermodynamic stability) performed at Invitae indicates that this missense variant is expected to disrupt ATP7B protein function. In summary, the available evidence is currently insufficient to determine the role of this variant in disease. Therefore, it has been classified as a Variant of Uncertain Significance.

NM_000053.4(ATP7B):c.3292C>T (p.Pro1098Ser)

Gene: ATP7B (ATPase copper transporting beta; minus strand). Cytogenetic location: 13q14.3.
Variant type: single nucleotide variant.
Coding change: c.3292C>T on transcript NM_000053.4 (MANE Select); coding-DNA position 3292, C replaced by T.
Protein change: p.Pro1098Ser; replaces proline 1098 with serine.
Molecular consequence: missense variant.
Genome position (GRCh38, 1-based): chr13:51,942,506, G>A on the plus strand (C>T on the coding strand, the complement: ATP7B is on the minus strand). VCF-style: chr13-51942506-G-A. GRCh37 (hg19) VCF-style: chr13-52516642-G-A.
Other names: c.3058C>T, p.Pro1020Ser (NM_001406527.1, NM_001406528.1, NM_001406538.1 and 1 more transcripts); c.3052C>T, p.Pro1018Ser (NM_001406530.1); c.3040C>T, p.Pro1014Ser (NM_001406531.1, NM_001406532.1, NM_001330579.2); c.3004C>T, p.Pro1002Ser (NM_001406534.1); c.2962C>T, p.Pro988Ser (NM_001406535.1, NM_001406536.1); c.2953C>T, p.Pro985Ser (NM_001406537.1); c.2671C>T, p.Pro891Ser (NM_001005918.3); c.2959C>T, p.Pro987Ser (NM_001243182.2); and 19 more; short protein forms P1014S, P1020S, P1033S, P1037S, P1050S, P1053S, P871S, P1066S.
Identifiers: ClinVar variation 2154308 (VCV002154308.4), dbSNP rs1161694801, ClinGen allele CA388028608.
Genomic context (GRCh38, chr13:51,942,506, plus strand): 5'-GCTCACTGTGGGCCAGGATGCCTTCCACGTTGCTGACTTTGCACCCAATTCCACAGCCTG[G>A]CACTGCCTGGAAGTCCGTGCAGTATCCCAAGGTCTCTGTTCCAAGTTCCTGGGAAGGTGG-3'
Protein context (NP_000044.2, residues 1088-1108): LGYCTDFQAV[Pro1098Ser]GCGIGCKVSN